The following is an entry in ClinVar:

NM_020461.4(TUBGCP6):c.4313T>C (p.Met1438Thr)

Gene: TUBGCP6 (tubulin gamma complex component 6; minus strand). Cytogenetic location: 22q13.33.
Variant type: single nucleotide variant.
Coding change: c.4313T>C on transcript NM_020461.4 (MANE Select); coding-DNA position 4313, T replaced by C.
Protein change: p.Met1438Thr; replaces methionine 1438 with threonine.
Molecular consequence: missense variant.
Genome position (GRCh38, 1-based): chr22:50,219,646, A>G on the plus strand (T>C on the coding strand, the complement: TUBGCP6 is on the minus strand). VCF-style: chr22-50219646-A-G. GRCh37 (hg19) VCF-style: chr22-50658075-A-G.
Other names: short protein forms M1438T.
Identifiers: ClinVar variation 965504 (VCV000965504.8), dbSNP rs149684018, ClinGen allele CA10307587.

ClinVar aggregate classification (germline): Uncertain significance. Review status: criteria provided, multiple submitters, no conflicts (2 of 4 stars). 3 submissions from 3 submitters: Uncertain significance (3). Last evaluated 2024-11-27.

Conditions:
Inborn genetic diseases. Identifiers: MedGen C0950123, MeSH D030342.

Allele frequency attached by ClinVar (database versions not stated): TOPMed 0.00004; gnomAD 0.00005 and 0.00006; gnomAD exomes 0.00006 and 0.00013; ExAC 0.00008; ESP Exome Variant Server 0.00015.

Submissions (3):

Labcorp Genetics (formerly Invitae), Labcorp
Classification: Uncertain significance. Last evaluated: 2024-11-27. Review status: criteria provided, single submitter. Criteria: Invitae Variant Classification Sherloc (09022015). Collection method: clinical testing. Allele origin: germline.
Comment: This sequence change replaces methionine, which is neutral and non-polar, with threonine, which is neutral and polar, at codon 1438 of the TUBGCP6 protein (p.Met1438Thr). This variant is present in population databases (rs149684018, gnomAD 0.01%). This variant has not been reported in the literature in individuals affected with TUBGCP6-related conditions. ClinVar contains an entry for this variant (Variation ID: 965504). An algorithm developed to predict the effect of missense changes on protein structure and function (PolyPhen-2) suggests that this variant is likely to be disruptive. In summary, the available evidence is currently insufficient to determine the role of this variant in disease. Therefore, it has been classified as a Variant of Uncertain Significance.

Blueprint Genetics
Classification: Uncertain significance. Last evaluated: 2024-11-21. Review status: criteria provided, single submitter. Criteria: ACMG Guidelines, 2015. Collection method: clinical testing. Allele origin: germline.

Ambry Genetics
Classification: Uncertain significance for Inborn genetic diseases. Last evaluated: 2024-08-05. Review status: criteria provided, single submitter. Criteria: Ambry Variant Classification Scheme 2023. Collection method: clinical testing. Allele origin: germline.